The following is an entry in ClinVar:

NM_000451.4(SHOX):c.325G>C (p.Glu109Gln)

Genes: SHOX (SHOX homeobox; plus strand), LOC107652445 (meiotic recombination hotspot SHOX; plus strand). Cytogenetic location: Xp22.33.
Variant type: single nucleotide variant.
Coding change: c.325G>C on transcript NM_000451.4 (MANE Select); coding-DNA position 325, G replaced by C.
Protein change: p.Glu109Gln; replaces glutamic acid 109 with glutamine.
Molecular consequence: missense variant.
Genome position (GRCh38, 1-based): chrX:634,665, G>C. VCF-style: chrX-634665-G-C. GRCh37 (hg19) VCF-style: chrX-595400-G-C.
Other names: c.325G>C, p.Glu109Gln (NM_006883.2); short protein forms E109Q.
Identifiers: ClinVar variation 2659856 (VCV002659856.24), dbSNP rs202119896, ClinGen allele CA10329948.

ClinVar aggregate classification (germline): Uncertain significance (1 of 4 stars; one submission).

Allele frequency attached by ClinVar (database versions not stated): gnomAD 0.00001; gnomAD exomes 0.00001; TOPMed 0.00001; 1000 Genomes Project 30x 0.00021; 1000 Genomes Project 0.00026.
gnomAD v4.1: 12 of 1,613,896 alleles (0.00074%); highest among the groups gnomAD compares: Non-Finnish European, 0.00093%; no homozygotes.

Submission:

CeGaT Center for Human Genetics Tuebingen
Classification: Uncertain significance. Last evaluated: 2022-12-01. Review status: criteria provided, single submitter. Criteria: CeGaT Center For Human Genetics Tuebingen Variant Classification Criteria Version 2. Collection method: clinical testing. Allele origin: germline. Affected: yes. Observed: 1 variant allele.
Comment: SHOX: PP3